The following is an entry in ClinVar:

NM_002878.4(RAD51D):c.44_49del (p.Glu15_Ile17delinsVal)

Genes: RAD51L3-RFFL (RAD51L3-RFFL readthrough; minus strand), RAD51D (RAD51 paralog D; minus strand). Cytogenetic location: 17q12.
Variant type: Deletion.
Coding change: c.44_49del on transcript NM_002878.4 (MANE Select); coding-DNA positions 44 to 49, 6 bases deleted (AGATGA; older notation c.44_49delAGATGA).
Protein change: p.Glu15_Ile17delinsVal.
Molecular consequence: inframe indel. On other transcripts: non-coding transcript variant (2).
Genome position (GRCh38, 1-based): chr17:35,119,565-35,119,570, TCATCT deleted on the plus strand (AGATGA on the coding strand, the reverse complement: RAD51D is on the minus strand). VCF-style (leftmost placement, unchanged base first): chr17-35119564-ATCATCT-A. GRCh37 (hg19) VCF-style: chr17-33446583-ATCATCT-A.
Other names: c.44_49del, p.Glu15_Ile17delinsVal (NM_001142571.2, NM_133629.3).
Identifiers: ClinVar variation 3660913 (VCV003660913.2).

ClinVar aggregate classification (germline): Uncertain significance (1 of 4 stars; one submission).

Conditions:
Breast-ovarian cancer, familial, susceptibility to, 4. Identifiers: Orphanet 145, MedGen C3280345, MONDO:0013669, OMIM 614291.

Submission:

Labcorp Genetics (formerly Invitae), Labcorp
Classification: Uncertain significance for Breast-ovarian cancer, familial, susceptibility to, 4. Last evaluated: 2024-10-11. Review status: criteria provided, single submitter. Criteria: Invitae Variant Classification Sherloc (09022015). Collection method: clinical testing. Allele origin: germline.
Comment: This variant, c.44_49del, is a complex sequence change that results in the deletion of 3 and insertion of 1 amino acid(s) in the RAD51D protein (p.Glu15_Ile17delinsVal). This variant is not present in population databases (gnomAD no frequency). This variant has not been reported in the literature in individuals affected with RAD51D-related conditions. Experimental studies and prediction algorithms are not available or were not evaluated, and the functional significance of this variant is currently unknown. Algorithms developed to predict the effect of sequence changes on RNA splicing suggest that this variant may disrupt the consensus splice site. In summary, the available evidence is currently insufficient to determine the role of this variant in disease. Therefore, it has been classified as a Variant of Uncertain Significance.